The following is an entry in ClinVar:

ClinVar aggregate classification (germline): Likely pathogenic (1 of 4 stars; one submission).

Conditions:
Intellectual developmental disorder, X-linked 99, syndromic, female-restricted. Also called: Intellectual disability, X-linked 99, syndromic, female-restricted. Identifiers: MedGen C4225416, MONDO:0010502, OMIM 300968.

Submission:

Neuberg Centre For Genomic Medicine, NCGM
Classification: Likely pathogenic for Intellectual developmental disorder, X-linked 99, syndromic, female-restricted. Review status: criteria provided, single submitter. Criteria: ACMG Guidelines, 2015. Collection method: clinical testing. Allele origin: germline. Affected: yes.
Comment: The splice donor variant c.2877+2T>C in USP9X (NM_001039591.3) has not been reported previously as a pathogenic variant nor as a benign variant, to our knowledge. The c.2877+2T>C variant is novel (not in any individuals) in gnomAD Exomes and is novel (not in any individuals) in 1000 Genomes. This variant affects an invariant splice site and hence is predicted to cause protein truncation. Loss of function mutations have been previously reported to be disease causing. Downstrem loss of function mutations have been reported to be disease causing in females. For these reasons, this variant has been classified as Likely Pathogenic.

NM_001039591.3(USP9X):c.2877+2T>C

Gene: USP9X (ubiquitin specific peptidase 9 X-linked; plus strand). Cytogenetic location: Xp11.4.
Variant type: single nucleotide variant.
Coding change: c.2877+2T>C on transcript NM_001039591.3 (MANE Select); the canonical splice donor site of the intron after coding-DNA position 2877, T replaced by C.
Molecular consequence: splice donor variant.
Genome position (GRCh38, 1-based): chrX:41,170,237, T>C. VCF-style: chrX-41170237-T-C. GRCh37 (hg19) VCF-style: chrX-41029490-T-C.
Other names: c.2892+2T>C (NM_001410748.1, NM_001410749.1); c.2877+2T>C (NM_001039590.3).
Identifiers: ClinVar variation 1339196 (VCV001339196.2), dbSNP rs2147123290, ClinGen allele CA412758942.
Genomic context (GRCh38, chrX:41,170,237, plus strand): 5'-TGATAGATCCTGCAGATGATAGAAAGTTGATTGGACAATTAAACTTAAAAGATAAATCGG[T>C]ATGTATGTATAGTTAACAGATTTTTCAATAAAATCAAACCAGAGACTATCGTTTAATCAG-3'